The following is an entry in ClinVar:

NM_001297595.2(SIN3B):c.803A>C (p.Lys268Thr)

Gene: SIN3B (SIN3 transcription regulator family member B; plus strand). Cytogenetic location: 19p13.11.
Variant type: single nucleotide variant.
Coding change: c.803A>C on transcript NM_001297595.2 (MANE Select); coding-DNA position 803, A replaced by C.
Protein change: p.Lys268Thr; replaces lysine 268 with threonine.
Molecular consequence: missense variant.
Genome position (GRCh38, 1-based): chr19:16,851,488, A>C. VCF-style: chr19-16851488-A-C. GRCh37 (hg19) VCF-style: chr19-16962299-A-C.
Other names: c.803A>C, p.Lys268Thr (NM_015260.4); short protein forms K268T.
Identifiers: ClinVar variation 3376869 (VCV003376869.1).

ClinVar aggregate classification (germline): Uncertain significance (1 of 4 stars; one submission).

Conditions:
Neurodevelopmental disorder. Identifiers: MedGen C1535926, MeSH D065886, MONDO:0700092.

Submission:

Victorian Clinical Genetics Services, Murdoch Childrens Research Institute
Classification: Uncertain significance for Neurodevelopmental disorder. Last evaluated: 2023-12-21. Review status: criteria provided, single submitter. Criteria: ACMG Guidelines, 2015. Collection method: clinical testing. Allele origin: germline. Inheritance: Autosomal dominant inheritance. Affected: yes.
Comment: Based on the classification scheme VCGS_Germline_v1.3.4, this variant is classified as VUS-3A. Following criteria are met: 0102 - Loss of function is a likely mechanism of disease in this gene and is associated with neurodevelopmental disorder (MONDO#0700092), SIN3B-related (PMID: 33811806). (I) 0107 - This gene is associated with autosomal dominant disease. (I) 0200 - Variant is predicted to result in a missense amino acid change from lysine to threonine. (I) 0251 - This variant is heterozygous. (I) 0301 - Variant is absent from gnomAD (both v2 and v3). (SP) 0502 - Missense variant with conflicting in silico predictions and uninformative conservation. (I) 0600 - Variant is located in the annotated nuclear localisation signal (PMID: 32467258). (I) 0705 - No comparable missense variants have previous evidence for pathogenicity. (I) 0807 - This variant has no previous evidence of pathogenicity. (I) 0905 - No published segregation evidence has been identified for this variant. (I) 1007 - No published functional evidence has been identified for this variant. (SP) Legend: (SP) - Supporting pathogenic, (I) - Information, (SB) - Supporting benign

Literature cited by the submitters: PubMed 32467258; PubMed 33811806.